The following is an entry in ClinVar:

NM_001136472.2(LITAF):c.25G>A (p.Ala9Thr)

Gene: LITAF (lipopolysaccharide induced TNF factor; minus strand). Cytogenetic location: 16p13.13.
Variant type: single nucleotide variant.
Coding change: c.25G>A on transcript NM_001136472.2 (MANE Select); coding-DNA position 25, G replaced by A.
Protein change: p.Ala9Thr; replaces alanine 9 with threonine.
Molecular consequence: missense variant. On other transcripts: non-coding transcript variant (1).
Genome position (GRCh38, 1-based): chr16:11,556,706, C>T on the plus strand (G>A on the coding strand, the complement: LITAF is on the minus strand). VCF-style: chr16-11556706-C-T. GRCh37 (hg19) VCF-style: chr16-11650562-C-T.
Other names: c.25G>A, p.Ala9Thr (NM_001136473.1, NM_004862.4); short protein forms A9T.
Identifiers: ClinVar variation 572892 (VCV000572892.12), dbSNP rs1267030887, ClinGen allele CA394768894.
Genomic context (GRCh38, chr16:11,556,706, plus strand): 5'-CAGCCACTGTCTCTTCATAGGATGGAGGTGCGGATGGTGCTGAGGAAGGCCCAGTGGCCG[C>T]CTGGTAAGGTCCTGGAACCGACATTTTACCTAAAACAGAAACAGAACATACCAGATAAGA-3'
Protein context (NP_001129944.1, residues 1-19): MSVPGPYQ[Ala9Thr]ATGPSSAPSA

ClinVar aggregate classification (germline): Conflicting classifications of pathogenicity. Review status: criteria provided, conflicting classifications (1 of 4 stars). 2 submissions from 2 submitters: Uncertain significance (1); Likely benign (1). Last evaluated 2022-04-07.

Conditions:
Charcot-Marie-Tooth disease type 1C. Also called: Charcot-Marie-Tooth disease, type IC; CMT, SLOW NERVE CONDUCTION TYPE C; HMSN IC; CHARCOT-MARIE-TOOTH NEUROPATHY, TYPE 1C; NEUROPATHY, HEREDITARY MOTOR AND SENSORY, TYPE IC; CHARCOT-MARIE-TOOTH DISEASE, DEMYELINATING, TYPE 1C. Identifiers: Orphanet 101083, MedGen C0270913, MONDO:0010995, OMIM 601098.
Inborn genetic diseases. Identifiers: MedGen C0950123, MeSH D030342.

Allele frequency attached by ClinVar (database versions not stated): TOPMed below 0.00001; gnomAD 0.00001; gnomAD exomes 0.00001 and 0.00004.
gnomAD v4.1: 54 of 1,614,028 alleles (0.0033%); highest among the groups gnomAD compares: Non-Finnish European, 0.0043%; no homozygotes.

Submissions (2):

Ambry Genetics
Classification: Uncertain significance for Inborn genetic diseases. Last evaluated: 2022-04-07. Review status: criteria provided, single submitter. Criteria: Ambry Variant Classification Scheme 2023. Collection method: clinical testing. Allele origin: germline.
Comment: The p.A9T variant (also known as c.25G>A), located in coding exon 1 of the LITAF gene, results from a G to A substitution at nucleotide position 25. The alanine at codon 9 is replaced by threonine, an amino acid with similar properties. This amino acid position is conserved. In addition, the in silico prediction for this alteration is inconclusive. Since supporting evidence is limited at this time, the clinical significance of this alteration remains unclear.

Labcorp Genetics (formerly Invitae), Labcorp
Classification: Likely benign for Charcot-Marie-Tooth disease type 1C. Last evaluated: 2022-02-09. Review status: criteria provided, single submitter. Criteria: Invitae Variant Classification Sherloc (09022015). Collection method: clinical testing. Allele origin: germline.